The following is an entry in ClinVar:

ClinVar aggregate classification (germline): Likely benign. Review status: criteria provided, multiple submitters, no conflicts (2 of 4 stars). 3 submissions from 3 submitters: Likely benign (2). 1 of the submissions does not count toward it. Last evaluated 2026-01-11.

Conditions:
C2CD3-related disorder. Also called: C2CD3-related condition.

Allele frequency attached by ClinVar (database versions not stated): 1000 Genomes Project 30x 0.00031; 1000 Genomes Project 0.00040; ExAC 0.00068; TOPMed 0.00121; gnomAD exomes 0.00132; gnomAD 0.00145 and 0.00151.
gnomAD v4.1: 2,547 of 1,531,480 alleles (0.17%); highest among the groups gnomAD compares: Non-Finnish European, 0.2%; 7 homozygotes.

Submissions (3):

Labcorp Genetics (formerly Invitae), Labcorp
Classification: Likely benign. Last evaluated: 2026-01-11. Review status: criteria provided, single submitter. Criteria: Invitae Variant Classification Sherloc (09022015). Collection method: clinical testing. Allele origin: germline.

Blueprint Genetics
Classification: Likely benign. Last evaluated: 2024-11-21. Review status: criteria provided, single submitter. Criteria: ACMG Guidelines, 2015. Collection method: clinical testing. Allele origin: germline.

PreventionGenetics, part of Exact Sciences
Classification: Likely benign for C2CD3-related condition. Last evaluated: 2022-02-22. Review status: no assertion criteria provided. Collection method: clinical testing. Allele origin: germline. Not counted in ClinVar's aggregate classification.
Comment: This variant is classified as likely benign based on ACMG/AMP sequence variant interpretation guidelines (Richards et al. 2015 PMID: 25741868, with internal and published modifications).

NM_001286577.2(C2CD3):c.6225T>G (p.Asn2075Lys)

Gene: C2CD3 (C2 domain containing 3 centriole elongation regulator; minus strand). Cytogenetic location: 11q13.4.
Variant type: single nucleotide variant.
Coding change: c.6225T>G on transcript NM_001286577.2 (MANE Select); coding-DNA position 6225, T replaced by G.
Protein change: p.Asn2075Lys; replaces asparagine 2075 with lysine.
Molecular consequence: missense variant.
Genome position (GRCh38, 1-based): chr11:74,033,935, A>C on the plus strand (T>G on the coding strand, the complement: C2CD3 is on the minus strand). VCF-style: chr11-74033935-A-C. GRCh37 (hg19) VCF-style: chr11-73744980-A-C.
Other names: c.6225T>G (NM_001286577.1); short protein forms N2075K.
Identifiers: ClinVar variation 1623902 (VCV001623902.11), dbSNP rs149818278, ClinGen allele CA6181720.